The following is an entry in ClinVar:

ClinVar aggregate classification (germline): Likely benign. Review status: criteria provided, multiple submitters, no conflicts (2 of 4 stars). 3 submissions from 3 submitters: Likely benign (2). 1 of the submissions does not count toward it. Last evaluated 2021-12-30.

Conditions:
Polydactyly, postaxial, type A1. Identifiers: MedGen C4282400, MONDO:0008266, OMIM 174200.
Greig cephalopolysyndactyly syndrome (GCPS). Also called: POLYSYNDACTYLY WITH PECULIAR SKULL SHAPE; GLI3-Related Greig Cephalopolysyndactyly Syndrome; Greig syndrome. Identifiers: Orphanet 380, MedGen C0265306, MONDO:0008287, OMIM 175700.
Pallister-Hall syndrome (PHS). Also called: HYPOTHALAMIC HAMARTOBLASTOMA, HYPOPITUITARISM, IMPERFORATE ANUS, AND POSTAXIAL POLYDACTYLY; GLI3-Related Pallister-Hall Syndrome. Identifiers: Orphanet 672, MedGen C0265220, MONDO:0007804, OMIM 146510.
Polysyndactyly 4. Also called: Polysyndactyly uncomplicated; Preaxial polydactyly 4. Identifiers: Orphanet 93338, MedGen C1868111, MONDO:0008272, OMIM 174700.
GLI3-related disorder. Also called: GLI3-related condition; GLI3-related disorders. Identifiers: MedGen CN239292.

Submissions (3):

Fulgent Genetics
Classification: Likely benign for Pallister-Hall syndrome; Polydactyly, postaxial, type A1; Polysyndactyly 4; Greig cephalopolysyndactyly syndrome. Last evaluated: 2021-12-30. Review status: criteria provided, single submitter. Criteria: ACMG Guidelines, 2015. Collection method: clinical testing. Allele origin: unknown.

Labcorp Genetics (formerly Invitae), Labcorp
Classification: Likely benign for Pallister-Hall syndrome; Greig cephalopolysyndactyly syndrome. Last evaluated: 2018-09-13. Review status: criteria provided, single submitter. Criteria: Invitae Variant Classification Sherloc (09022015). Collection method: clinical testing. Allele origin: germline.

PreventionGenetics, part of Exact Sciences
Classification: Likely benign for GLI3-related condition. Last evaluated: 2020-11-24. Review status: no assertion criteria provided. Collection method: clinical testing. Allele origin: germline. Not counted in ClinVar's aggregate classification.
Comment: This variant is classified as likely benign based on ACMG/AMP sequence variant interpretation guidelines (Richards et al. 2015 PMID: 25741868, with internal and published modifications).

NM_000168.6(GLI3):c.1357-9T>A

Gene: GLI3 (GLI family zinc finger 3; minus strand). Cytogenetic location: 7p14.1.
Variant type: single nucleotide variant.
Coding change: c.1357-9T>A on transcript NM_000168.6 (MANE Select); 9 bases into the intron before coding-DNA position 1357, T replaced by A.
Molecular consequence: intron variant.
Genome position (GRCh38, 1-based): chr7:42,023,617, A>T on the plus strand (T>A on the coding strand, the complement: GLI3 is on the minus strand). VCF-style: chr7-42023617-A-T. GRCh37 (hg19) VCF-style: chr7-42063216-A-T.
Identifiers: ClinVar variation 727653 (VCV000727653.11), dbSNP rs1583801330, ClinGen allele CA915944909.
Genomic context (GRCh38, chr7:42,023,617, plus strand): 5'-TTTCATCTTTGTCCCCTTCCTCCTTGACAAGGGTTGTTCCTTCGGGCTGTTCCTGAAAGA[A>T]GAGGGTGGGGGGCAGGGAACAGAGAAGGGGGAAGAATCAGACACAACAGGAGGGAAGACA-3'